The following is an entry in ClinVar:

ClinVar aggregate classification (germline): Uncertain significance (0 of 4 stars; one submission).

Conditions:
Fanconi anemia complementation group A (FANCA). Also called: Fanconi anemia, group A; FANCA-Related Fanconi Anemia. Identifiers: Orphanet 84, MedGen C3469521, MONDO:0009215, OMIM 227650.

Submission:

Leiden Open Variation Database
Classification: Uncertain significance for Fanconi anemia complementation group A. Last evaluated: 2020-02-28. Review status: no assertion criteria provided. Collection method: curation. Allele origin: germline. Affected: yes.
Comment: Curator: Arleen D. Auerbach. Submitter to LOVD: Arleen D. Auerbach.

NM_000135.4(FANCA):c.1738_1742delinsCCGCCT (p.Val580fs)

Gene: FANCA (FA complementation group A; minus strand). Cytogenetic location: 16q24.3.
Variant type: Indel.
Coding change: c.1738_1742delinsCCGCCT on transcript NM_000135.4 (MANE Select); coding-DNA positions 1738 to 1742, GTGTC replaced by CCGCCT.
Protein change: p.Val580fs; shifts the reading frame from valine 580.
Molecular consequence: frameshift variant.
Genome position (GRCh38, 1-based): chr16:89,778,977-89,778,981, GACAC replaced by AGGCGG on the plus strand (GTGTC replaced by CCGCCT on the coding strand, the reverse complement: FANCA is on the minus strand). VCF-style: chr16-89778977-GACAC-AGGCGG. GRCh37 (hg19) VCF-style: chr16-89845385-GACAC-AGGCGG.
Other names: c.1738_1742delinsCCGCCT, p.Val580fs (NM_001286167.3); short protein forms V580fs.
Identifiers: ClinVar variation 974024 (VCV000974024.1), dbSNP rs2039611494, ClinGen allele CA1139665022.